The following is an entry in ClinVar:

ClinVar aggregate classification (germline): Conflicting classifications of pathogenicity. Review status: criteria provided, conflicting classifications (1 of 4 stars). 6 submissions from 6 submitters: Pathogenic (4); Uncertain significance (1). 1 of the submissions does not count toward it. Last evaluated 2025-07-18.

Conditions:
Malignant hyperthermia, susceptibility to, 1 (MHS1). Also called: RYR1-Related Malignant Hyperthermia Susceptibility; Anesthesia related hyperthermia; Malignant hyperpyrexia; Fulminating hyperpyrexia; Pharmacogenic myopathy; Malignant hyperthermia suceptibility 1. Identifiers: Orphanet 423, MedGen C2930980, MONDO:0007783, OMIM 145600.
Central core myopathy (CMYO1A). Also called: CONGENITAL MYOPATHY 1A, AUTOSOMAL DOMINANT, WITH SUSCEPTIBILITY TO MALIGNANT HYPERTHERMIA; Central core disease; Myopathy, central fibrillar. Identifiers: Orphanet 597, MedGen C5830701, MONDO:0007294, OMIM 117000.
Congenital myopathy with fiber type disproportion. Also called: Congenital fiber-type disproportion myopathy; Congenital fiber-type disproportion. Identifiers: Orphanet 2020, MedGen C0546264, MONDO:0009711. Inheritance: all.
King Denborough syndrome (KDS). Identifiers: MedGen C1840365, MONDO:0020485, OMIM 619542.
Congenital multicore myopathy with external ophthalmoplegia (CMYO1B). Also called: Congenital myopathy 1B, autosomal recessive; Minicore myopathy; MULTIMINICORE DISEASE WITH EXTERNAL OPHTHALMOPLEGIA; Minicore myopathy with external ophthalmoplegia; MULTICORE MYOPATHY. Identifiers: Orphanet 598, Orphanet 98905, MedGen C1850674, MONDO:0009712, OMIM 255320, HP:0003789.
RYR1-related disorder. Also called: RYR1-related condition; RYR1-related disorders. Identifiers: MedGen CN239331.

Allele frequency attached by ClinVar (database versions not stated): gnomAD exomes below 0.00001 and 0.00003.
gnomAD v4.1: 45 of 1,613,490 alleles (0.0028%); highest among the groups gnomAD compares: Non-Finnish European, 0.0038%; no homozygotes.

Submissions (6):

Color Diagnostics, LLC DBA Color Health
Classification: Uncertain significance for Malignant hyperthermia, susceptibility to, 1. Last evaluated: 2025-07-18. Review status: criteria provided, single submitter. Criteria: ACMG Guidelines, 2015. Collection method: clinical testing. Allele origin: germline.
Comment: This variant changes 1 nucleotide in exon 3 of the RYR1 gene, creating a premature translation stop signal. This variant is expected to result in an absent or non-functional protein product. To our knowledge, this variant has not been reported in individuals affected with with autosomal dominant malignant hyperthermia in the literature. This variant has been identified in 1/251234 chromosomes in the general population by the Genome Aggregation Database (gnomAD). Loss of RYR1 function due to truncation variants is not an established disease mechanism for autosomal dominant malignant hyperthermia, although it is associated with other phenotype(s) (ClinVar Variation ID: 561100). Due to insufficient evidence, this variant is classified as a Variant of Uncertain Significance for autosomal dominant malignant hyperthermia.

Labcorp Genetics (formerly Invitae), Labcorp
Classification: Pathogenic for RYR1-related disorder. Last evaluated: 2025-02-08. Review status: criteria provided, single submitter. Criteria: Invitae Variant Classification Sherloc (09022015). Collection method: clinical testing. Allele origin: germline.
Comment: This sequence change creates a premature translational stop signal (p.Gln70*) in the RYR1 gene. It is expected to result in an absent or disrupted protein product. Loss-of-function variants in RYR1 are known to be pathogenic (PMID: 23919265, 25960145, 28818389, 30611313). This variant is present in population databases (no rsID available, gnomAD 0.0009%). This premature translational stop signal has been observed in individual(s) with autosomal recessive RYR1-related conditions (PMID: 29298851). ClinVar contains an entry for this variant (Variation ID: 561100). For these reasons, this variant has been classified as Pathogenic.

Fulgent Genetics
Classification: Pathogenic for Central core myopathy; Malignant hyperthermia, susceptibility to, 1; Congenital myopathy 4A, autosomal dominant; Congenital multicore myopathy with external ophthalmoplegia; King Denborough syndrome. Last evaluated: 2021-07-28. Review status: criteria provided, single submitter. Criteria: ACMG Guidelines, 2015. Collection method: clinical testing. Allele origin: unknown.

Revvity Omics, Revvity
Classification: Pathogenic. Last evaluated: 2020-07-28. Review status: criteria provided, single submitter. Criteria: ACMG Guidelines, 2015. Collection method: clinical testing. Allele origin: germline.

Baylor Genetics
Classification: Pathogenic for Central core myopathy. Last evaluated: 2017-09-01. Review status: criteria provided, single submitter. Criteria: ACMG Guidelines, 2015. Collection method: clinical testing. Allele origin: germline. Inheritance: Autosomal unknown. Affected: yes.

All of Us Research Program, National Institutes of Health
Classification: Uncertain significance for Malignant hyperthermia, susceptibility to, 1. Last evaluated: 2024-03-05. Review status: flagged submission. Criteria: ACMG Guidelines, 2015. Collection method: clinical testing. Allele origin: germline. Inheritance: Autosomal dominant inheritance. Observed: 7 variant alleles, 7 heterozygotes. Not counted in ClinVar's aggregate classification.
Comment: This variant changes 1 nucleotide in exon 3 of the RYR1 gene, creating a premature translation stop signal. This variant is expected to result in an absent or non-functional protein product. To our knowledge, this variant has not been reported in individuals affected with with autosomal dominant malignant hyperthermia in the literature. This variant has been identified in 1/251234 chromosomes in the general population by the Genome Aggregation Database (gnomAD). Loss of RYR1 function due to truncation variants is not an established disease mechanism for autosomal dominant malignant hyperthermia, although it is associated with other phenotype(s) (ClinVar Variation ID: 561100). Due to insufficient evidence, this variant is classified as a Variant of Uncertain Significance for autosomal dominant malignant hyperthermia.

This study involves interpretation of variants in research participants for the purpose of population health screening. Participant phenotype was not available at the time of variant classification. Additional details can be found in publication PMID: 35346344, PMCID: PMC8962531
ClinVar note: Reason: Outlier claim with insufficient supporting evidence

Literature cited by the submitters: PubMed 23919265 (cited by Labcorp Genetics (formerly Invitae), Labcorp); PubMed 25960145 (cited by Labcorp Genetics (formerly Invitae), Labcorp); PubMed 28818389 (cited by Labcorp Genetics (formerly Invitae), Labcorp); PubMed 30611313 (cited by Labcorp Genetics (formerly Invitae), Labcorp); PubMed 29298851 (cited by Labcorp Genetics (formerly Invitae), Labcorp); PubMed 25326635 (cited by Baylor Genetics).

NM_000540.3(RYR1):c.208C>T (p.Gln70Ter)

Gene: RYR1 (ryanodine receptor 1; plus strand). Cytogenetic location: 19q13.2.
Variant type: single nucleotide variant.
Coding change: c.208C>T on transcript NM_000540.3 (MANE Select); coding-DNA position 208, C replaced by T.
Protein change: p.Gln70Ter; replaces glutamine 70 with a stop codon.
Molecular consequence: nonsense.
Genome position (GRCh38, 1-based): chr19:38,442,391, C>T. VCF-style: chr19-38442391-C-T. GRCh37 (hg19) VCF-style: chr19-38933031-C-T.
Other names: c.208C>T, p.Gln70Ter (NM_001042723.2); short protein forms Q70*.
Identifiers: ClinVar variation 561100 (VCV000561100.15), dbSNP rs1456276440, ClinGen allele CA405674053.